The following is an entry in ClinVar:

NM_001103.4(ACTN2):c.1593G>A (p.Trp531Ter)

Gene: ACTN2 (actinin alpha 2; plus strand). Cytogenetic location: 1q43.
Variant type: single nucleotide variant.
Coding change: c.1593G>A on transcript NM_001103.4 (MANE Select); coding-DNA position 1593, G replaced by A.
Protein change: p.Trp531Ter; replaces tryptophan 531 with a stop codon.
Molecular consequence: nonsense.
Genome position (GRCh38, 1-based): chr1:236,749,201, G>A. VCF-style: chr1-236749201-G-A. GRCh37 (hg19) VCF-style: chr1-236912501-G-A.
Other names: c.1593G>A, p.Trp531Ter (NM_001278343.2); c.969G>A, p.Trp323Ter (NM_001278344.2); short protein forms W531*, W323*.
Identifiers: ClinVar variation 43913 (VCV000043913.5), dbSNP rs397516570, ClinGen allele CA133143.

ClinVar aggregate classification (germline): Uncertain significance (1 of 4 stars; one submission).

Conditions:
Hypertrophic cardiomyopathy. Also called: HYPERTROPHIC MYOCARDIOPATHY. Identifiers: Orphanet 217569, MedGen C0007194, MeSH D002312, MONDO:0005045, HP:0001639.

Allele frequency attached by ClinVar (database versions not stated): gnomAD exomes below 0.00001.
gnomAD v4.1: 1 of 1,614,186 alleles (0.000062%); highest among the groups gnomAD compares: Non-Finnish European, 0.000085%; no homozygotes.

Submission:

Laboratory for Molecular Medicine, Mass General Brigham Personalized Medicine
Classification: Uncertain significance for Hypertrophic cardiomyopathy. Last evaluated: 2021-11-16. Review status: criteria provided, single submitter. Criteria: ACMG Guidelines, 2015. Collection method: clinical testing. Allele origin: germline.
Comment: proposed classification - variant undergoing re-assessment, contact laboratory

Literature cited by the submitters: PubMed 27532257.